The following is an entry in ClinVar:

NM_025099.6(CTC1):c.1360G>A (p.Glu454Lys)

Gene: CTC1 (CST telomere replication complex component 1; minus strand). Cytogenetic location: 17p13.1.
Variant type: single nucleotide variant.
Coding change: c.1360G>A on transcript NM_025099.6 (MANE Select); coding-DNA position 1360, G replaced by A.
Protein change: p.Glu454Lys; replaces glutamic acid 454 with lysine.
Molecular consequence: missense variant. On other transcripts: non-coding transcript variant (1).
Genome position (GRCh38, 1-based): chr17:8,235,132, C>T on the plus strand (G>A on the coding strand, the complement: CTC1 is on the minus strand). VCF-style: chr17-8235132-C-T. GRCh37 (hg19) VCF-style: chr17-8138450-C-T.
Other names: short protein forms E454K.
Identifiers: ClinVar variation 1471443 (VCV001471443.4), dbSNP rs774972007, ClinGen allele CA397984610.
Genomic context (GRCh38, chr17:8,235,132, plus strand): 5'-GGGCCTTGGTAGCCCACAGGTAGAGGGGAAGTCCTAACTGACGTTCCCACACCAGCTGCT[C>T]GTACAGGGAGGCCCCGTAGGCTTGACGGGATGAGTGAGCCCCAGGCTTCTGACGAGAGAA-3'
Protein context (NP_079375.3, residues 444-464): SRQAYGASLY[Glu454Lys]QLVWERQLGL

ClinVar aggregate classification (germline): Uncertain significance. Review status: criteria provided, multiple submitters, no conflicts (2 of 4 stars). 2 submissions from 2 submitters: Uncertain significance (2). Last evaluated 2021-11-02.

Conditions:
Dyskeratosis congenita. Identifiers: Orphanet 1775, MedGen C0265965, MONDO:0015780.

Allele frequency attached by ClinVar (database versions not stated): TOPMed below 0.00001; gnomAD 0.00001.
gnomAD v4.1: 21 of 1,613,986 alleles (0.0013%); highest among the groups gnomAD compares: Middle Eastern, 0.016%; no homozygotes.

Submissions (2):

Labcorp Genetics (formerly Invitae), Labcorp
Classification: Uncertain significance for Dyskeratosis congenita. Last evaluated: 2021-11-02. Review status: criteria provided, single submitter. Criteria: Invitae Variant Classification Sherloc (09022015). Collection method: clinical testing. Allele origin: germline.
Comment: This sequence change replaces glutamic acid, which is acidic and polar, with lysine, which is basic and polar, at codon 454 of the CTC1 protein (p.Glu454Lys). This variant is not present in population databases (gnomAD no frequency). This variant has not been reported in the literature in individuals affected with CTC1-related conditions. Algorithms developed to predict the effect of missense changes on protein structure and function output the following: SIFT: "Tolerated"; PolyPhen-2: "Benign"; Align-GVGD: "Class C0". The lysine amino acid residue is found in multiple mammalian species, which suggests that this missense change does not adversely affect protein function. In summary, the available evidence is currently insufficient to determine the role of this variant in disease. Therefore, it has been classified as a Variant of Uncertain Significance.

Sema4
Classification: Uncertain significance for Dyskeratosis congenita. Last evaluated: 2021-07-27. Review status: criteria provided, single submitter. Criteria: Sema4 Curation Guidelines. Collection method: curation. Allele origin: germline.
Comment: The CTC1 c.1360G>A (p.E454K) variant has not been reported in the literature to our knowledge. It was not observed in the large and broad cohorts of the Genome Aggregation Database (PMID: 32461654). Functional studies have not been performed and in silico predictions of the variant's effect on protein function are inconclusive. The evidence is insufficient to meet ACMG/AMP criteria for classifying the variant as benign or pathogenic. Thus, the clinical significance of this variant is currently uncertain.